The following is an entry in ClinVar:

NM_213599.3(ANO5):c.2238C>T (p.Ala746=)

Gene: ANO5 (anoctamin 5; plus strand). Cytogenetic location: 11p14.3.
Variant type: single nucleotide variant.
Coding change: c.2238C>T on transcript NM_213599.3 (MANE Select); coding-DNA position 2238, C replaced by T.
Protein change: p.Ala746=; no amino-acid change (alanine 746 retained).
Molecular consequence: synonymous variant.
Genome position (GRCh38, 1-based): chr11:22,274,571, C>T. VCF-style: chr11-22274571-C-T. GRCh37 (hg19) VCF-style: chr11-22296117-C-T.
Other names: c.2235C>T, p.Ala745= (NM_001142649.2).
Identifiers: ClinVar variation 682618 (VCV000682618.1), dbSNP rs781715511, ClinGen allele CA5923509.
Genomic context (GRCh38, chr11:22,274,571, plus strand): 5'-CATTATTAAAACTAAATTGGCAGCTGATGATCTTCCTCTTTTTTTTTTTATTCTTCAGGC[C>T]TTTATTGTTGCATTTACGTCAGACATCATTCCCCGTCTAGTTTACTACTATGCTTACTCA-3'
Protein context (NP_998764.1, residues 736-756): GMAVLSVATN[Ala746=]FIVAFTSDII

ClinVar aggregate classification (germline): Likely benign (1 of 4 stars; one submission).

Allele frequency attached by ClinVar (database versions not stated): gnomAD exomes below 0.00001; ExAC 0.00001.
gnomAD v4.1: 3 of 1,589,672 alleles (0.00019%); no homozygotes.

Submission:

GeneDx
Classification: Likely benign. Last evaluated: 2018-04-30. Review status: criteria provided, single submitter. Criteria: GeneDx Variant Classification (06012015). Collection method: clinical testing. Allele origin: germline. Affected: yes.
Comment: This variant is considered likely benign or benign based on one or more of the following criteria: it is a conservative change, it occurs at a poorly conserved position in the protein, it is predicted to be benign by multiple in silico algorithms, and/or has population frequency not consistent with disease.